The following is an entry in ClinVar:

ClinVar aggregate classification (germline): Uncertain significance (1 of 4 stars; one submission).

Conditions:
Alagille syndrome due to a JAG1 point mutation. Also called: HEPATIC DUCTULAR HYPOPLASIA, SYNDROMATIC; Alagille Syndrome 1; JAG1-Related Alagille Syndrome. Identifiers: Orphanet 261619, Orphanet 52, MedGen C1956125, MONDO:0016862, OMIM 118450.

Submission:

Labcorp Genetics (formerly Invitae), Labcorp
Classification: Uncertain significance for Alagille syndrome due to a JAG1 point mutation. Last evaluated: 2025-11-21. Review status: criteria provided, single submitter. Criteria: Invitae Variant Classification Sherloc (09022015). Collection method: clinical testing. Allele origin: germline.
Comment: This sequence change replaces cysteine, which is neutral and slightly polar, with phenylalanine, which is neutral and non-polar, at codon 599 of the JAG1 protein (p.Cys599Phe). This variant is not present in population databases (gnomAD no frequency). This variant has not been reported in the literature in individuals affected with JAG1-related conditions. Invitae Evidence Modeling of protein sequence and biophysical properties (such as structural, functional, and spatial information, amino acid conservation, physicochemical variation, residue mobility, and thermodynamic stability) has been performed for this missense variant. However, the output from this modeling did not meet the statistical confidence thresholds required to predict the impact of this variant on JAG1 protein function. In summary, the available evidence is currently insufficient to determine the role of this variant in disease. Therefore, it has been classified as a Variant of Uncertain Significance.

NM_000214.3(JAG1):c.1796G>T (p.Cys599Phe)

Gene: JAG1 (jagged canonical Notch ligand 1; minus strand). Cytogenetic location: 20p12.2.
Variant type: single nucleotide variant.
Coding change: c.1796G>T on transcript NM_000214.3 (MANE Select); coding-DNA position 1796, G replaced by T.
Protein change: p.Cys599Phe; replaces cysteine 599 with phenylalanine.
Molecular consequence: missense variant.
Genome position (GRCh38, 1-based): chr20:10,647,028, C>A on the plus strand (G>T on the coding strand, the complement: JAG1 is on the minus strand). VCF-style: chr20-10647028-C-A. GRCh37 (hg19) VCF-style: chr20-10627676-C-A.
Other names: short protein forms C599F.
Identifiers: ClinVar variation 4746331 (VCV004746331.1).